The following is an entry in ClinVar:

ClinVar aggregate classification (germline): Uncertain significance (1 of 4 stars; one submission).

Submission:

Labcorp Genetics (formerly Invitae), Labcorp
Classification: Uncertain significance. Last evaluated: 2022-06-20. Review status: criteria provided, single submitter. Criteria: Invitae Variant Classification Sherloc (09022015). Collection method: clinical testing. Allele origin: germline.
Comment: This sequence change replaces arginine, which is basic and polar, with glycine, which is neutral and non-polar, at codon 1219 of the DHX38 protein (p.Arg1219Gly). This variant is present in population databases (rs772203418, gnomAD 0.006%). This variant has not been reported in the literature in individuals affected with DHX38-related conditions. Algorithms developed to predict the effect of missense changes on protein structure and function (SIFT, PolyPhen-2, Align-GVGD) all suggest that this variant is likely to be disruptive. In summary, the available evidence is currently insufficient to determine the role of this variant in disease. Therefore, it has been classified as a Variant of Uncertain Significance.

NM_014003.4(DHX38):c.3655C>G (p.Arg1219Gly)

Gene: DHX38 (DEAH-box helicase 38; plus strand). Cytogenetic location: 16q22.2.
Variant type: single nucleotide variant.
Coding change: c.3655C>G on transcript NM_014003.4 (MANE Select); coding-DNA position 3655, C replaced by G.
Protein change: p.Arg1219Gly; replaces arginine 1219 with glycine.
Molecular consequence: missense variant.
Genome position (GRCh38, 1-based): chr16:72,112,468, C>G. VCF-style: chr16-72112468-C-G. GRCh37 (hg19) VCF-style: chr16-72146367-C-G.
Other names: short protein forms R1219G.
Identifiers: ClinVar variation 1954633 (VCV001954633.2), dbSNP rs772203418, ClinGen allele CA8161073.